The following is an entry in ClinVar:

ClinVar aggregate classification (germline): Conflicting classifications of pathogenicity. Review status: criteria provided, conflicting classifications (1 of 4 stars). 2 submissions from 2 submitters: Uncertain significance (1); Benign (1). Last evaluated 2026-04-11.

Conditions:
Cardiovascular phenotype. Identifiers: MedGen CN230736.
Noonan syndrome 9 (NS9). Identifiers: Orphanet 648, MedGen C4225282, MONDO:0014691, OMIM 616559.

Allele frequency attached by ClinVar (database versions not stated): ExAC 0.00001; gnomAD exomes 0.00001.
gnomAD v4.1: 14 of 1,376,438 alleles (0.001%); highest among the groups gnomAD compares: African/African-American, 0.0016%; no homozygotes.

Submissions (2):

Ambry Genetics
Classification: Uncertain significance for Cardiovascular phenotype. Last evaluated: 2026-04-11. Review status: criteria provided, single submitter. Criteria: Ambry Variant Classification Scheme 2023. Collection method: clinical testing. Allele origin: germline.
Comment: The p.S1168P variant (also known as c.3502T>C), located in coding exon 23 of the SOS2 gene, results from a T to C substitution at nucleotide position 3502. The serine at codon 1168 is replaced by proline, an amino acid with similar properties. This amino acid position is conserved. In addition, this alteration is predicted to be tolerated by in silico analysis. Based on the available evidence, the clinical significance of this variant remains unclear.

Labcorp Genetics (formerly Invitae), Labcorp
Classification: Benign for Noonan syndrome 9. Last evaluated: 2025-05-05. Review status: criteria provided, single submitter. Criteria: Invitae Variant Classification Sherloc (09022015). Collection method: clinical testing. Allele origin: germline.

NM_006939.4(SOS2):c.3502T>C (p.Ser1168Pro)

Gene: SOS2 (SOS Ras/Rho guanine nucleotide exchange factor 2; minus strand). Cytogenetic location: 14q21.3.
Variant type: single nucleotide variant.
Coding change: c.3502T>C on transcript NM_006939.4 (MANE Select); coding-DNA position 3502, T replaced by C.
Protein change: p.Ser1168Pro; replaces serine 1168 with proline.
Molecular consequence: missense variant.
Genome position (GRCh38, 1-based): chr14:50,118,841, A>G on the plus strand (T>C on the coding strand, the complement: SOS2 is on the minus strand). VCF-style: chr14-50118841-A-G. GRCh37 (hg19) VCF-style: chr14-50585559-A-G.
Other names: c.3502T>C (NM_006939.2); short protein forms S1168P.
Identifiers: ClinVar variation 1394470 (VCV001394470.9), dbSNP rs756607027, ClinGen allele CA7176766.